The following is an entry in ClinVar:

NM_002485.5(NBN):c.1746del (p.Lys582fs)

Gene: NBN (nibrin; minus strand). Cytogenetic location: 8q21.3.
Variant type: Deletion.
Coding change: c.1746del on transcript NM_002485.5 (MANE Select); coding-DNA position 1746, one base deleted (A; older notation c.1746delA).
Protein change: p.Lys582fs; shifts the reading frame from lysine 582.
Molecular consequence: frameshift variant.
Genome position (GRCh38, 1-based): chr8:89,953,343, T deleted on the plus strand (A on the coding strand, the reverse complement: NBN is on the minus strand); the first of 5 consecutive T bases (chr8:89,953,343-89,953,347); deleting any one gives the same sequence. VCF-style (leftmost placement, unchanged base first): chr8-89953342-GT-G. GRCh37 (hg19) VCF-style: chr8-90965570-GT-G.
Other names: c.1500del, p.Lys500fs (NM_001024688.3, NM_001440379.1, NM_001440380.1); short protein forms K500fs, K582fs.
Identifiers: ClinVar variation 5015674 (VCV005015674.1).
Genomic context (GRCh38, chr8:89,953,342, plus strand): 5'-AAGTGTCATTTGTTTCTATATCCATCCTTGGCCTTTTTCTAACATTGACATCTTCCTCCT[GT>G]TTTTGAACTTTCACATCAATTTCTAACTCTGGTTTTGTGTCCTTGAATAACTGTTCCAAT-3'

ClinVar aggregate classification (germline): Pathogenic (1 of 4 stars; one submission).

Conditions:
Microcephaly, normal intelligence and immunodeficiency (NBS). Also called: IMMUNODEFICIENCY, MICROCEPHALY, AND CHROMOSOMAL INSTABILITY; SEEMANOVA SYNDROME II; Nijmegen breakage syndrome; Microcephaly with normal intelligence immunodeficiency and lymphoreticular malignancies; Nonsyndromal microcephaly autosomal recessive with normal intelligence; Seemanova syndrome 2. Identifiers: Orphanet 647, MedGen C0398791, MONDO:0009623, OMIM 251260.

Submission:

Myriad Genetics, Inc.
Classification: Pathogenic for Microcephaly, normal intelligence and immunodeficiency. Last evaluated: 2026-03-13. Review status: criteria provided, single submitter. Criteria: Myriad Autosomal Dominant, Autosomal Recessive and X-Linked Classification Criteria (2023). Collection method: clinical testing. Allele origin: unknown.
Comment: NM_002485.4(NBN):c.1746delA(K582Nfs*16) is expected to be pathogenic in the context of Nijmegen breakage syndrome. This variant is predicted to lead to an abnormal or absent protein product due to the creation of a premature termination codon in NBN, a gene where loss-of-function variants are known to be pathogenic. Please note: this variant was assessed in the context of healthy population screening.